The following is an entry in ClinVar:

ClinVar aggregate classification (germline): Pathogenic (1 of 4 stars; one submission).

Conditions:
Familial cancer of breast. Also called: BREAST CANCER, FAMILIAL; hereditary breast carcinoma; Hereditary breast cancer. Identifiers: Orphanet 227535, MedGen C0346153, MONDO:0016419, OMIM 114480. Disease mechanism: loss of function.
Fanconi anemia complementation group J. Also called: BRIP1-Related Fanconi Anemia. Identifiers: Orphanet 84, MedGen C1836860, MONDO:0012187, OMIM 609054.

Submission:

Labcorp Genetics (formerly Invitae), Labcorp
Classification: Pathogenic for Familial cancer of breast; Fanconi anemia complementation group J. Last evaluated: 2023-12-28. Review status: criteria provided, single submitter. Criteria: Invitae Variant Classification Sherloc (09022015). Collection method: clinical testing. Allele origin: unknown.
Comment: This variant is a gross deletion of the genomic region encompassing exon(s) 11 of the BRIP1 gene. This deletion is out-of-frame, and is expected to create a premature termination codon and result in an absent or disrupted protein product. Loss-of-function variants in BRIP1 are known to be pathogenic (PMID: 16116423, 17033622, 21964575). This variant has not been reported in the literature in individuals affected with BRIP1-related conditions. For these reasons, this variant has been classified as Pathogenic.

Literature cited by the submitters: PubMed 16116423; PubMed 17033622; PubMed 21964575.

NC_000017.10:g.(?_59861611)_(59861805_?)del

Gene: BRIP1 (BRCA1 interacting DNA helicase 1; minus strand). Cytogenetic location: 17q23.2.
Variant type: Deletion.
Identifiers: ClinVar variation 3242953 (VCV003242953.1).